The following is an entry in ClinVar:

NM_005585.5(SMAD6):c.1154G>A (p.Ser385Asn)

Gene: SMAD6 (SMAD family member 6; plus strand). Cytogenetic location: 15q22.31.
Variant type: single nucleotide variant.
Coding change: c.1154G>A on transcript NM_005585.5 (MANE Select); coding-DNA position 1154, G replaced by A.
Protein change: p.Ser385Asn; replaces serine 385 with asparagine.
Molecular consequence: missense variant. On other transcripts: non-coding transcript variant (1).
Genome position (GRCh38, 1-based): chr15:66,781,198, G>A. VCF-style: chr15-66781198-G-A. GRCh37 (hg19) VCF-style: chr15-67073536-G-A.
Other names: short protein forms S385N.
Identifiers: ClinVar variation 471745 (VCV000471745.9), dbSNP rs1555440093, ClinGen allele CA393201969.
Genomic context (GRCh38, chr15:66,781,198, plus strand): 5'-GCTTCTGCCTGGGCCAGCTCAACCTGGAGCAGCGCAGCGAGTCGGTGCGGCGAACGCGCA[G>A]CAAGATCGGCTTCGGCATCCTGCTCAGCAAGGAGCCCGACGGCGTGTGGGCCTACAACCG-3'
Protein context (NP_005576.3, residues 375-395): QRSESVRRTR[Ser385Asn]KIGFGILLSK

ClinVar aggregate classification (germline): Uncertain significance (1 of 4 stars; one submission).

Conditions:
Aortic valve disease 2 (AOVD2). Identifiers: MedGen C3542024, MONDO:0013902, OMIM 614823.

Submission:

Labcorp Genetics (formerly Invitae), Labcorp
Classification: Uncertain significance for Aortic valve disease 2. Last evaluated: 2017-04-09. Review status: criteria provided, single submitter. Criteria: Invitae Variant Classification Sherloc (09022015). Collection method: clinical testing. Allele origin: germline.
Comment: This sequence change replaces serine with asparagine at codon 385 of the SMAD6 protein (p.Ser385Asn). The serine residue is highly conserved and there is a small physicochemical difference between serine and asparagine. This variant is not present in population databases (ExAC no frequency) and has not been reported in the literature in individuals with a SMAD6-related disease. Algorithms developed to predict the effect of missense changes on protein structure and function output the following: SIFT: "Tolerated"; PolyPhen-2: "Benign"; Align-GVGD: "Class C0". The asparagine amino acid residue is found in multiple mammalian species, suggesting that this missense change does not adversely affect protein function. These predictions have not been confirmed by published functional studies. In summary, this variant is a novel missense change that is not predicted to affect protein function. There is no indication that it causes disease, but the available evidence is currently insufficient to prove that conclusively. Therefore, it has been classified as a Variant of Uncertain Significance.